The following is an entry in ClinVar:

NM_144596.4(TTC8):c.193G>A (p.Asp65Asn)

Gene: TTC8 (tetratricopeptide repeat domain 8; plus strand). Cytogenetic location: 14q31.3.
Variant type: single nucleotide variant.
Coding change: c.193G>A on transcript NM_144596.4 (MANE Select); coding-DNA position 193, G replaced by A.
Protein change: p.Asp65Asn; replaces aspartic acid 65 with asparagine.
Molecular consequence: missense variant. On other transcripts: 5 prime UTR variant (2), non-coding transcript variant (1).
Genome position (GRCh38, 1-based): chr14:88,839,500, G>A. VCF-style: chr14-88839500-G-A. GRCh37 (hg19) VCF-style: chr14-89305844-G-A.
Other names: c.163G>A, p.Asp55Asn (NM_001288781.1, NM_001366535.2, NM_001366536.2 and 2 more transcripts); c.-400G>A (NM_001288782.1); c.-495G>A (NM_001288783.1); short protein forms D55N, D65N.
Identifiers: ClinVar variation 1008626 (VCV001008626.9), dbSNP rs2094769718, ClinGen allele CA390572602.
Genomic context (GRCh38, chr14:88,839,500, plus strand): 5'-CATGGGTTTTAGGCAGCTTGGATCTTAAAAGCAAGAGCGCTAACAGAAATGGTATACATA[G>A]ATGAAATTGATGTAGATCAGGAAGGAATTGCAGAAATGATGCTGGATGAAAATGCTATAG-3'
Protein context (NP_653197.2, residues 55-75): ARALTEMVYI[Asp65Asn]EIDVDQEGIA

ClinVar aggregate classification (germline): Uncertain significance. Review status: criteria provided, multiple submitters, no conflicts (2 of 4 stars). 2 submissions from 2 submitters: Uncertain significance (2). Last evaluated 2024-05-30.

Conditions:
Retinitis pigmentosa 51 (RP51). Identifiers: Orphanet 791, MedGen C3150715, MONDO:0013274, OMIM 613464.
Bardet-Biedl syndrome 8 (BBS8). Identifiers: Orphanet 110, MedGen C1859566, MONDO:0014436, OMIM 615985.
Bardet-Biedl syndrome (BBS). Identifiers: Orphanet 110, MedGen C0752166, MONDO:0015229.

Submissions (2):

Fulgent Genetics
Classification: Uncertain significance for Retinitis pigmentosa 51; Bardet-Biedl syndrome 8. Last evaluated: 2024-05-30. Review status: criteria provided, single submitter. Criteria: ACMG Guidelines, 2015. Collection method: clinical testing. Allele origin: germline.

Labcorp Genetics (formerly Invitae), Labcorp
Classification: Uncertain significance for Bardet-Biedl syndrome. Last evaluated: 2022-11-01. Review status: criteria provided, single submitter. Criteria: Invitae Variant Classification Sherloc (09022015). Collection method: clinical testing. Allele origin: germline.
Comment: This variant is not present in population databases (gnomAD no frequency). This variant has not been reported in the literature in individuals affected with TTC8-related conditions. ClinVar contains an entry for this variant (Variation ID: 1008626). Advanced modeling of protein sequence and biophysical properties (such as structural, functional, and spatial information, amino acid conservation, physicochemical variation, residue mobility, and thermodynamic stability) performed at Invitae indicates that this missense variant is expected to disrupt TTC8 protein function. In summary, the available evidence is currently insufficient to determine the role of this variant in disease. Therefore, it has been classified as a Variant of Uncertain Significance. This sequence change replaces aspartic acid, which is acidic and polar, with asparagine, which is neutral and polar, at codon 55 of the TTC8 protein (p.Asp55Asn).